The following is an entry in ClinVar:

NM_001792.5(CDH2):c.2666A>G (p.Asp889Gly)

Genes: CDH2 (cadherin 2; minus strand), CDH2-AS1 (CDH2 antisense RNA 1; plus strand). Cytogenetic location: 18q12.1.
Variant type: single nucleotide variant.
Coding change: c.2666A>G on transcript NM_001792.5 (MANE Select); coding-DNA position 2666, A replaced by G.
Protein change: p.Asp889Gly; replaces aspartic acid 889 with glycine.
Molecular consequence: missense variant.
Genome position (GRCh38, 1-based): chr18:27,952,208, T>C on the plus strand (A>G on the coding strand, the complement: CDH2 is on the minus strand). VCF-style: chr18-27952208-T-C. GRCh37 (hg19) VCF-style: chr18-25532172-T-C.
Other names: c.2573A>G, p.Asp858Gly (NM_001308176.2); short protein forms D858G, D889G.
Identifiers: ClinVar variation 3488866 (VCV003488866.1).

ClinVar aggregate classification (germline): Uncertain significance (1 of 4 stars; one submission).

Conditions:
Inborn genetic diseases. Identifiers: MedGen C0950123, MeSH D030342.

gnomAD v4.1: 2 of 1,613,714 alleles (0.00012%); highest among the groups gnomAD compares: Non-Finnish European, 0.00017%; no homozygotes.

Submission:

Ambry Genetics
Classification: Uncertain significance for Inborn genetic diseases. Last evaluated: 2024-11-17. Review status: criteria provided, single submitter. Criteria: Ambry Variant Classification Scheme 2023. Collection method: clinical testing. Allele origin: germline.
Comment: The p.D889G variant (also known as c.2666A>G), located in coding exon 16 of the CDH2 gene, results from an A to G substitution at nucleotide position 2666. The aspartic acid at codon 889 is replaced by glycine, an amino acid with similar properties. This amino acid position is conserved. In addition, this alteration is predicted to be deleterious by in silico analysis. Based on the available evidence, the clinical significance of this variant remains unclear.